The following is an entry in ClinVar:

NM_000257.4(MYH7):c.1603G>C (p.Glu535Gln)

Gene: MYH7 (myosin heavy chain 7; minus strand). Cytogenetic location: 14q11.2.
Variant type: single nucleotide variant.
Coding change: c.1603G>C on transcript NM_000257.4 (MANE Select); coding-DNA position 1603, G replaced by C.
Protein change: p.Glu535Gln; replaces glutamic acid 535 with glutamine.
Molecular consequence: missense variant.
Genome position (GRCh38, 1-based): chr14:23,427,870, C>G on the plus strand (G>C on the coding strand, the complement: MYH7 is on the minus strand). VCF-style: chr14-23427870-C-G. GRCh37 (hg19) VCF-style: chr14-23897079-C-G.
Other names: short protein forms E535Q.
Identifiers: ClinVar variation 1301885 (VCV001301885.1), dbSNP rs2138672565, ClinGen allele CA389050220.
Genomic context (GRCh38, chr14:23,427,870, plus strand): 5'-TGTCAAACAGCTTGGCCTTGAAGGTCATGTCGGTGGCCTTGGGGAACATGCACTCCTCTT[C>G]CAGGATGGACATGATGCCCATGGGCTGAGGAAGCAGGAGAGAGCATCACTGAGTGTCCTT-3'
Protein context (NP_000248.2, residues 525-545): EKPMGIMSIL[Glu535Gln]EECMFPKATD

ClinVar aggregate classification (germline): Likely pathogenic (1 of 4 stars; one submission).

Conditions:
MYH7-related disorder. Also called: MYH7-related disorders; MYH7-related condition; MYH7-related disease.

Submission:

Rady Children's Institute for Genomic Medicine, Rady Children's Hospital San Diego
Classification: Likely pathogenic for MYH7-related disorders. Last evaluated: 2020-08-19. Review status: criteria provided, single submitter. Criteria: ACMG Guidelines, 2015. Collection method: clinical testing. Allele origin: germline. Affected: yes.
Comment: This variant has not been previously reported or functionally characterized in the literature to our knowledge. It is absent from the gnomAD population database and thus is presumed to be rare. The c.1603G>C (p.Glu535Gln) variant affects a highly conserved amino acid and is predicted by multiple in silico tools to have a deleterious effect on protein function. Analysis of the parental samples was negative for the variant, indicating this variant likely occurred as a de novo event. Based on the available evidence, the c.1603G>C (p.Glu535Gln) variant is classified as Likely Pathogenic.